The following is an entry in ClinVar:

ClinVar aggregate classification (germline): Conflicting classifications of pathogenicity. Review status: criteria provided, conflicting classifications (1 of 4 stars). 6 submissions from 6 submitters: Uncertain significance (2); Likely benign (4). Last evaluated 2025-07-17.

Conditions:
Upshaw-Schulman syndrome (TTP). Also called: Congenital thrombotic thrombocytopenic purpura; THROMBOTIC THROMBOCYTOPENIC PURPURA, HEREDITARY. Identifiers: Orphanet 93583, MedGen C1268935, MONDO:0010122, OMIM 274150.

Allele frequency attached by ClinVar (database versions not stated): 1000 Genomes Project below 0.00001; gnomAD exomes 0.00005 and 0.00008; ExAC 0.00009; ESP Exome Variant Server 0.00023; gnomAD 0.00036 and 0.00039; TOPMed 0.00046.
gnomAD v4.1: 126 of 1,613,370 alleles (0.0078%); highest among the groups gnomAD compares: African/African-American, 0.1%; no homozygotes.

Submissions (6):

Mayo Clinic Laboratories, Mayo Clinic
Classification: Likely benign. Last evaluated: 2025-07-17. Review status: criteria provided, single submitter. Criteria: ACMG Guidelines, 2015. Collection method: clinical testing. Allele origin: germline. Observed: 2 variant alleles.
Comment: BS1, BP4, BP7

Labcorp Genetics (formerly Invitae), Labcorp
Classification: Likely benign. Last evaluated: 2025-07-09. Review status: criteria provided, single submitter. Criteria: Invitae Variant Classification Sherloc (09022015). Collection method: clinical testing. Allele origin: germline.

Women's Health and Genetics/Laboratory Corporation of America, LabCorp
Classification: Likely benign. Last evaluated: 2025-04-30. Review status: criteria provided, single submitter. Criteria: LabCorp Variant Classification Summary - May 2015. Collection method: clinical testing. Allele origin: germline.

Blueprint Genetics
Classification: Likely benign. Last evaluated: 2024-06-10. Review status: criteria provided, single submitter. Criteria: ACMG Guidelines, 2015. Collection method: clinical testing. Allele origin: germline.

CeGaT Center for Human Genetics Tuebingen
Classification: Uncertain significance. Last evaluated: 2022-02-01. Review status: criteria provided, single submitter. Criteria: CeGaT Center For Human Genetics Tuebingen Variant Classification Criteria Version 2. Collection method: clinical testing. Allele origin: germline. Affected: yes. Observed: 1 variant allele.

Illumina Laboratory Services, Illumina
Classification: Uncertain significance for Upshaw-Schulman syndrome. Last evaluated: 2018-01-13. Review status: criteria provided, single submitter. Criteria: ICSL Variant Classification Criteria 13 December 2019. Collection method: clinical testing. Allele origin: germline.

NM_139027.6(ADAMTS13):c.415-5C>T

Gene: ADAMTS13 (ADAM metallopeptidase with thrombospondin type 1 motif 13; plus strand). Cytogenetic location: 9q34.2.
Variant type: single nucleotide variant.
Coding change: c.415-5C>T on transcript NM_139027.6 (MANE Select); 5 bases into the intron before coding-DNA position 415, C replaced by T.
Molecular consequence: intron variant.
Genome position (GRCh38, 1-based): chr9:133,425,933, C>T. VCF-style: chr9-133425933-C-T. GRCh37 (hg19) VCF-style: chr9-136291053-C-T.
Other names: p.?; c.415-5C>T (NM_139025.5, NM_139026.6).
Identifiers: ClinVar variation 365535 (VCV000365535.48), dbSNP rs200230025, ClinGen allele CA10626722.